The following is an entry in ClinVar:

NM_000053.4(ATP7B):c.3446G>C (p.Gly1149Ala)

Gene: ATP7B (ATPase copper transporting beta; minus strand). Cytogenetic location: 13q14.3.
Variant type: single nucleotide variant.
Coding change: c.3446G>C on transcript NM_000053.4 (MANE Select); coding-DNA position 3446, G replaced by C.
Protein change: p.Gly1149Ala; replaces glycine 1149 with alanine.
Molecular consequence: missense variant.
Genome position (GRCh38, 1-based): chr13:51,941,191, C>G on the plus strand (G>C on the coding strand, the complement: ATP7B is on the minus strand). VCF-style: chr13-51941191-C-G. GRCh37 (hg19) VCF-style: chr13-52515327-C-G.
Other names: c.2825G>C, p.Gly942Ala (NM_001005918.3); c.3113G>C, p.Gly1038Ala (NM_001243182.2); c.3212G>C, p.Gly1071Ala (NM_001330578.2); c.3194G>C, p.Gly1065Ala (NM_001330579.2); short protein forms G1149A, G1065A, G1038A, G1071A, G942A.
Identifiers: ClinVar variation 623152 (VCV000623152.29), dbSNP rs1566462533, ClinGen allele CA388026664.

ClinVar aggregate classification (germline): Pathogenic/Likely pathogenic. Review status: criteria provided, multiple submitters, no conflicts (2 of 4 stars). 13 submissions from 13 submitters: Pathogenic (4); Likely pathogenic (8). 1 of the submissions does not count toward it. Last evaluated 2026-04-21.

Conditions:
Wilson disease (WND). Also called: Wilson's disease. Identifiers: Orphanet 905, MedGen C0019202, MONDO:0010200, OMIM 277900. Disease mechanism: loss of function.
ATP7B-related disorder. Also called: ATP7B-related condition.

Submissions (13):

PreventionGenetics, part of Exact Sciences
Classification: Likely pathogenic for ATP7B-related condition. Last evaluated: 2026-04-21. Review status: criteria provided, single submitter. Criteria: ACMG Guidelines, 2015. Collection method: clinical testing. Allele origin: germline.
Comment: The ATP7B c.3446G>C variant is predicted to result in the amino acid substitution p.Gly1149Ala. This variant was reported in the homozygous and compound heterozygous state in individuals with Wilson disease (Davies et al. 2008. PubMed ID: 18373411; Singh et al. 2019. PubMed ID: 31059521). This variant has not been reported in a large population database (gnomAD), indicating this variant is rare. This variant is interpreted as likely pathogenic.

Color Diagnostics, LLC DBA Color Health
Classification: Likely pathogenic for Wilson disease. Last evaluated: 2025-06-30. Review status: criteria provided, single submitter. Criteria: ACMG Guidelines, 2015. Collection method: clinical testing. Allele origin: germline.
Comment: This missense variant replaces glycine with alanine at codon 1149 of the ATP7B protein. This variant alters a conserved glycine residue in the N domain of the ATP7B protein (a.a. 1032 - 1196), a highly conserved region that is considered to be important for ATP7B protein function (PMID: 35245129ClinVar). Computational prediction suggests that this variant may have deleterious impact on protein structure and function. Functional studies in Chinese Hamster Ovary cells have suggested this variant disrupts protein expression, copper transport, and copper resistance (Pon et al, 2011). This variant has been observed in the compound heterozygous state and homozygous state in individuals affected with autosomal recessive Wilson disease (PMID: 18373411, 20465995, 27022412, 27982432, 31059521, 34470610, 36777461), indicating that this variant contributes to disease. This variant has not been identified in the general population by the Genome Aggregation Database (gnomAD). Based on the available evidence, this variant is classified as Likely Pathogenic.

Labcorp Genetics (formerly Invitae), Labcorp
Classification: Pathogenic for Wilson disease. Last evaluated: 2025-03-16. Review status: criteria provided, single submitter. Criteria: Invitae Variant Classification Sherloc (09022015). Collection method: clinical testing. Allele origin: germline.
Comment: This sequence change replaces glycine, which is neutral and non-polar, with alanine, which is neutral and non-polar, at codon 1149 of the ATP7B protein (p.Gly1149Ala). This variant is not present in population databases (gnomAD no frequency). This missense change has been observed in individual(s) with Wilson disease (PMID: 18373411, 31059521). ClinVar contains an entry for this variant (Variation ID: 623152). Invitae Evidence Modeling of protein sequence and biophysical properties (such as structural, functional, and spatial information, amino acid conservation, physicochemical variation, residue mobility, and thermodynamic stability) indicates that this missense variant is expected to disrupt ATP7B protein function with a positive predictive value of 80%. For these reasons, this variant has been classified as Pathogenic.

Natera, Inc.
Classification: Pathogenic for Wilson disease. Last evaluated: 2025-01-28. Review status: criteria provided, single submitter. Criteria: Natera Variant Classification Schema (03/2026). Collection method: clinical testing. Allele origin: germline.
Comment: The c.3446G>C variant in ATP7B is a missense variant predicted to cause substitution of glycine to alanine at amino acid 1149. This variant is rare in the general population with a frequency below the threshold expected for the associated phenotype(s). This variant has been observed in one or more individuals affected with the associated recessive disease, as either homozygous or compound heterozygous with a second variant (PMID: 31059521). Additionally, this variant has been observed to segregate in affected family members (PMID: 31059521). A different variant at the same position has been determined to be Pathogenic or Likely Pathogenic. Computational prediction algorithms indicate this variant is likely to affect gene or protein function. Given the available evidence, this variant is classified as Pathogenic.

ARUP Laboratories, Molecular Genetics and Genomics, ARUP Laboratories
Classification: Pathogenic for Wilson disease. Last evaluated: 2024-10-28. Review status: criteria provided, single submitter. Criteria: ARUP Molecular Germline Variant Investigation Process 2024. Collection method: clinical testing. Allele origin: germline.
Comment: The ATP7B c.3446G>C; p.Gly1149Ala variant (rs1566462533, ClinVar ID: 623152) is reported homozygous and compound heterozygous in the literature in individuals affected with Wilson disease (Awan 2023, Davies 2016, Li 2021, Singh 2019). This variant is absent from the Genome Aggregation Database(v2.1.1), indicating it is not a common polymorphism. Computational analyses predict that this variant is deleterious (REVEL: 0.954). Additionally, other amino acid substitutions at this codon (Gly1149Arg, Gly1149Glu) have been reported in individuals with Wilson disease (Dong 2016, Hua 2016, Li 2011, Li 2021). Based on available information, this variant is considered to be pathogenic. References: Awan RU et al. A Novel Mutation in the ATP7B Gene: A Rare Manifestation of Wilson Disease With Liver Failure. ACG Case Rep J. 2023 Feb 9;10(2):e00977. PMID: 36777461. Davies LP et al. New mutations in the Wilson disease gene, ATP7B: implications for molecular testing. Genet Test. 2008 Mar;12(1):139-45. PMID: 18373411. Dong Y et al. Spectrum and Classification of ATP7B Variants in a Large Cohort of Chinese Patients with Wilson's Disease Guides Genetic Diagnosis. Theranostics. 2016 Mar 3;6(5):638-49. PMID: 27022412. Hua R et al. Mutational analysis of ATP7B in Chinese Wilson disease patients. Am J Transl Res. 2016 Jun 15;8(6):2851-61. PMID: 27398169. Li XH et al. Clinical and molecular characterization of Wilson's disease in China: identification of 14 novel mutations. BMC Med Genet. 2011 Jan 11;12:6. PMID: 21219664. Li M et al. Mutation analysis of the ATP7B gene and genotype-phenotype correlation in Chinese patients with Wilson disease. BMC Gastroenterol. 2021 Sep 1;21(1):339. PMID: 34470610. Singh N et al. Genetic analysis of ATP7B in 102 south Indian families with Wilson disease. PLoS One. 2019 May 6;14(5):e0215779. PMID: 31059521.

Fulgent Genetics
Classification: Likely pathogenic for Wilson disease. Last evaluated: 2024-02-29. Review status: criteria provided, single submitter. Criteria: ACMG Guidelines, 2015. Collection method: clinical testing. Allele origin: germline.

Baylor Genetics
Classification: Pathogenic for Wilson disease. Last evaluated: 2024-02-13. Review status: criteria provided, single submitter. Criteria: ACMG Guidelines, 2015. Collection method: clinical testing. Allele origin: unknown.

GeneDx
Classification: Likely pathogenic. Last evaluated: 2024-01-25. Review status: criteria provided, single submitter. Criteria: GeneDx Variant Classification Process June 2021. Collection method: clinical testing. Allele origin: germline.
Comment: Not observed at significant frequency in large population cohorts (gnomAD); In silico analysis supports that this missense variant has a deleterious effect on protein structure/function; This variant is associated with the following publications: (PMID: 22692182, 25704634, 21219664, 20465995, 27982432, 18373411, 31059521, 36777461, 17268820)

Mayo Clinic Laboratories, Mayo Clinic
Classification: Likely pathogenic. Last evaluated: 2023-06-13. Review status: criteria provided, single submitter. Criteria: ACMG Guidelines, 2015. Collection method: clinical testing. Allele origin: germline. Observed: 1 variant allele.
Comment: PP3, PP4, PM2, PM3, PS4_moderate

Women's Health and Genetics/Laboratory Corporation of America, LabCorp
Classification: Likely pathogenic for Wilson disease. Last evaluated: 2022-05-20. Review status: criteria provided, single submitter. Criteria: LabCorp Variant Classification Summary - May 2015. Collection method: clinical testing. Allele origin: germline.
Comment: Variant summary: ATP7B c.3446G>C (p.Gly1149Ala) results in a non-conservative amino acid change located in the P-type ATPase, haloacid dehalogenase domain (IPR044492) of the encoded protein sequence. Five of five in-silico tools predict a damaging effect of the variant on protein function. The variant was absent in 249586 control chromosomes. c.3446G>C has been reported in the literature as homozygous and compound heterozygous genotypes in multiple individuals affected with Wilson Disease (example, Davies_2008, Li_2021, Singh_2019). These data indicate that the variant is very likely to be associated with disease. To our knowledge, no experimental evidence demonstrating an impact on protein function has been reported. Four clinical diagnostic laboratories have submitted clinical-significance assessments for this variant to ClinVar after 2014 without evidence for independent evaluation (Pathogenic/Likely Pathogenic, n=3; VUS, n=1). Based on the evidence outlined above, the variant was classified as likely pathogenic.

Myriad Genetics, Inc.
Classification: Likely pathogenic for Wilson disease. Last evaluated: 2021-11-01. Review status: criteria provided, single submitter. Criteria: Myriad Women's Health Autosomal Recessive and X-Linked Classification Criteria (2021). Collection method: clinical testing. Allele origin: unknown.
Comment: NM_000053.3(ATP7B):c.3446G>C(G1149A) is a missense variant classified as likely pathogenic in the context of Wilson disease. G1149A has been observed in cases with relevant disease (PMID: 18373411, 27982432, 31059521). Functional assessments of this variant are available in the literature (PMID: Pons_2011_(no PMID; abstract)). G1149A has not been observed in population frequency databases. In summary, NM_000053.3(ATP7B):c.3446G>C(G1149A) is a missense variant that has been observed more frequently in cases with the relevant disease than in healthy populations. Please note: this variant was assessed in the context of healthy population screening.

Molecular Diagnostics Laboratory, M Health Fairview: University of Minnesota
Classification: Likely pathogenic for Wilson disease. Last evaluated: 2018-09-12. Review status: criteria provided, single submitter. Criteria: ACMG Guidelines, 2015. Collection method: clinical testing. Allele origin: germline. Affected: yes. Observed: 1 variant allele.

Kasturba Medical College, Manipal, Kasturba Medical College, Manipal, Manipal Academy of Higher Education, Manipal, India
Classification: Pathogenic for Wilson disease. Review status: no assertion criteria provided. Collection method: clinical testing. Allele origin: biparental. Affected: yes. Not counted in ClinVar's aggregate classification.

Literature cited by the submitters: PubMed 18373411 (cited by 6 submitters); PubMed 20465995 (cited by Color Diagnostics, LLC DBA Color Health and Mayo Clinic Laboratories, Mayo Clinic); PubMed 27022412 (cited by Color Diagnostics, LLC DBA Color Health and Molecular Diagnostics Laboratory, M Health Fairview: University of Minnesota); PubMed 27982432 (cited by 3 submitters); PubMed 31059521 (cited by 6 submitters); PubMed 34470610 (cited by 3 submitters); PubMed 35245129 (cited by Color Diagnostics, LLC DBA Color Health); PubMed 36777461 (cited by Color Diagnostics, LLC DBA Color Health and Mayo Clinic Laboratories, Mayo Clinic); PubMed 22692182 (cited by Mayo Clinic Laboratories, Mayo Clinic); PubMed 20333758 (cited by Molecular Diagnostics Laboratory, M Health Fairview: University of Minnesota); DOI 10.1089/gte.2007.0072 (cited by Kasturba Medical College, Manipal, Kasturba Medical College, Manipal, Manipal Academy of Higher Education, Manipal, India).